The following is an entry in ClinVar:

ClinVar aggregate classification (germline): Likely pathogenic (1 of 4 stars; one submission).

Conditions:
Dilated cardiomyopathy 1G (CMD1G). Identifiers: Orphanet 154, MedGen C1858763, MONDO:0011400, OMIM 604145.
Autosomal recessive limb-girdle muscular dystrophy type 2J (LGMDR10). Also called: MUSCULAR DYSTROPHY, LIMB-GIRDLE, AUTOSOMAL RECESSIVE 10; Limb-girdle muscular dystrophy, type 2J. Identifiers: Orphanet 140922, MedGen C1837342, MONDO:0012127, OMIM 608807.

Submission:

Labcorp Genetics (formerly Invitae), Labcorp
Classification: Likely pathogenic for Dilated cardiomyopathy 1G; Autosomal recessive limb-girdle muscular dystrophy type 2J. Last evaluated: 2023-04-22. Review status: criteria provided, single submitter. Criteria: Invitae Variant Classification Sherloc (09022015). Collection method: clinical testing. Allele origin: germline.
Comment: In summary, the currently available evidence indicates that the variant is pathogenic, but additional data are needed to prove that conclusively. Therefore, this variant has been classified as Likely Pathogenic. This variant is located in the A band of TTN (PMID: 25589632). Truncating variants in this region are significantly overrepresented in patients affected with dilated cardiomyopathy (PMID: 25589632). Truncating variants in this region have also been reported in individuals affected with autosomal recessive centronuclear myopathy (PMID: 23975875). This variant has not been reported in the literature in individuals affected with TTN-related conditions. This variant is not present in population databases (gnomAD no frequency). This sequence change creates a premature translational stop signal (p.Asp16562Valfs*2) in the TTN gene. While this is not anticipated to result in nonsense mediated decay, it is expected to create a truncated TTN protein.

Literature cited by the submitters: PubMed 25589632; PubMed 23975875.

NM_001267550.2(TTN):c.49685del (p.Asp16562fs)

Genes: TTN-AS1 (TTN antisense RNA 1; plus strand), TTN (titin; minus strand). Cytogenetic location: 2q31.2.
Variant type: Deletion.
Coding change: c.49685del on transcript NM_001267550.2 (MANE Select); coding-DNA position 49685, one base deleted (A; older notation c.49685delA).
Protein change: p.Asp16562fs; shifts the reading frame from aspartic acid 16562.
Molecular consequence: frameshift variant.
Genome position (GRCh38, 1-based): chr2:178,613,036, T deleted on the plus strand (A on the coding strand, the reverse complement: TTN is on the minus strand). VCF-style (leftmost placement, unchanged base first): chr2-178613035-AT-A. GRCh37 (hg19) VCF-style: chr2-179477762-AT-A.
Other names: c.44762del, p.Asp14921fs (NM_001256850.1); c.22490del, p.Asp7497fs (NM_003319.4); c.41981del, p.Asp13994fs (NM_133378.4); c.22865del, p.Asp7622fs (NM_133432.3); c.23066del, p.Asp7689fs (NM_133437.4); short protein forms D14921fs, D13994fs, D7497fs, D7689fs, D16562fs, D7622fs.
Identifiers: ClinVar variation 2943931 (VCV002943931.3), dbSNP rs2470569953, ClinGen allele CA2740096165.